The following is an entry in ClinVar:

ClinVar aggregate classification (germline): Uncertain significance (1 of 4 stars; one submission).

Allele frequency attached by ClinVar (database versions not stated): gnomAD exomes below 0.00001; TOPMed below 0.00001; ExAC 0.00001; gnomAD 0.00002.

Submission:

Labcorp Genetics (formerly Invitae), Labcorp
Classification: Uncertain significance. Last evaluated: 2020-06-04. Review status: criteria provided, single submitter. Criteria: Invitae Variant Classification Sherloc (09022015). Collection method: clinical testing. Allele origin: germline.
Comment: This variant is present in population databases (rs529860544, ExAC 0.002%). In summary, the available evidence is currently insufficient to determine the role of this variant in disease. Therefore, it has been classified as a Variant of Uncertain Significance. Algorithms developed to predict the effect of missense changes on protein structure and function (SIFT, PolyPhen-2, Align-GVGD) all suggest that this variant is likely to be tolerated, but these predictions have not been confirmed by published functional studies and their clinical significance is uncertain. This variant has not been reported in the literature in individuals with LRRC10-related disease. This sequence change replaces proline with arginine at codon 273 of the LRRC10 protein (p.Pro273Arg). The proline residue is moderately conserved and there is a moderate physicochemical difference between proline and arginine.

NM_201550.4(LRRC10):c.818C>G (p.Pro273Arg)

Gene: LRRC10 (leucine rich repeat containing 10; minus strand). Cytogenetic location: 12q15.
Variant type: single nucleotide variant.
Coding change: c.818C>G on transcript NM_201550.4 (MANE Select); coding-DNA position 818, C replaced by G.
Protein change: p.Pro273Arg; replaces proline 273 with arginine.
Molecular consequence: missense variant.
Genome position (GRCh38, 1-based): chr12:69,610,021, G>C on the plus strand (C>G on the coding strand, the complement: LRRC10 is on the minus strand). VCF-style: chr12-69610021-G-C. GRCh37 (hg19) VCF-style: chr12-70003801-G-C.
Other names: short protein forms P273R.
Identifiers: ClinVar variation 581800 (VCV000581800.10), dbSNP rs529860544, ClinGen allele CA6680983.